The following is an entry in ClinVar:

NM_198578.4(LRRK2):c.6601T>C (p.Cys2201Arg)

Gene: LRRK2 (leucine rich repeat kinase 2; plus strand). Cytogenetic location: 12q12.
Variant type: single nucleotide variant.
Coding change: c.6601T>C on transcript NM_198578.4 (MANE Select); coding-DNA position 6601, T replaced by C.
Protein change: p.Cys2201Arg; replaces cysteine 2201 with arginine.
Molecular consequence: missense variant.
Genome position (GRCh38, 1-based): chr12:40,354,323, T>C. VCF-style: chr12-40354323-T-C. GRCh37 (hg19) VCF-style: chr12-40748125-T-C.
Other names: short protein forms C2201R.
Identifiers: ClinVar variation 2567444 (VCV002567444.2), dbSNP rs2499993249, ClinGen allele CA384408818.

ClinVar aggregate classification (germline): Uncertain significance (1 of 4 stars; one submission).

Conditions:
Inborn genetic diseases. Identifiers: MedGen C0950123, MeSH D030342.

Submission:

Ambry Genetics
Classification: Uncertain significance for Inborn genetic diseases. Last evaluated: 2023-06-11. Review status: criteria provided, single submitter. Criteria: Ambry Variant Classification Scheme 2023. Collection method: clinical testing. Allele origin: germline.
Comment: The p.C2201R variant (also known as c.6601T>C), located in coding exon 45 of the LRRK2 gene, results from a T to C substitution at nucleotide position 6601. The cysteine at codon 2201 is replaced by arginine, an amino acid with highly dissimilar properties. This amino acid position is conserved. In addition, the in silico prediction for this alteration is inconclusive. Since supporting evidence is limited at this time, the clinical significance of this alteration remains unclear.